The following is an entry in ClinVar:

ClinVar aggregate classification (germline): Likely benign (0 of 4 stars; one submission).

Conditions:
EPPK1-related disorder. Also called: EPPK1-related condition.

Allele frequency attached by ClinVar (database versions not stated): 1000 Genomes Project 30x 0.00141; 1000 Genomes Project 0.00160; gnomAD 0.00218; TOPMed 0.00218; ESP Exome Variant Server 0.00227; ExAC 0.00265; gnomAD exomes 0.00275.
gnomAD v4.1: 4,336 of 1,609,810 alleles (0.27%); highest among the groups gnomAD compares: Middle Eastern, 0.83%; 9 homozygotes.

Submission:

PreventionGenetics, part of Exact Sciences
Classification: Likely benign for EPPK1-related condition. Last evaluated: 2022-07-06. Review status: no assertion criteria provided. Collection method: clinical testing. Allele origin: germline.
Comment: This variant is classified as likely benign based on ACMG/AMP sequence variant interpretation guidelines (Richards et al. 2015 PMID: 25741868, with internal and published modifications).

NM_031308.4(EPPK1):c.305G>T (p.Gly102Val)

Gene: EPPK1 (epiplakin 1; minus strand). Cytogenetic location: 8q24.3.
Variant type: single nucleotide variant.
Coding change: c.305G>T on transcript NM_031308.4 (MANE Select); coding-DNA position 305, G replaced by T.
Protein change: p.Gly102Val; replaces glycine 102 with valine.
Molecular consequence: missense variant.
Genome position (GRCh38, 1-based): chr8:143,872,949, C>A on the plus strand (G>T on the coding strand, the complement: EPPK1 is on the minus strand). VCF-style: chr8-143872949-C-A. GRCh37 (hg19) VCF-style: chr8-144947117-C-A.
Other names: short protein forms G102V.
Identifiers: ClinVar variation 3052424 (VCV003052424.2), dbSNP rs150047119, ClinGen allele CA4923651.